The following is an entry in ClinVar:

ClinVar aggregate classification (germline): Likely benign. Review status: criteria provided, multiple submitters, no conflicts (2 of 4 stars). 4 submissions from 4 submitters: Likely benign (2). 2 of the submissions do not count toward it. Last evaluated 2025-09-09.

Conditions:
RFX6-related disorder. Also called: RFX6-related condition.
Monogenic diabetes. Identifiers: Orphanet 183625, MedGen C3888631, MONDO:0015967.

Allele frequency attached by ClinVar (database versions not stated): ESP Exome Variant Server 0.00131; TOPMed 0.00136; gnomAD exomes 0.00014 and 0.00035; ExAC 0.00047; gnomAD 0.00111 and 0.00124; 1000 Genomes Project 0.00140; 1000 Genomes Project 30x 0.00156.
gnomAD v4.1: 391 of 1,613,820 alleles (0.024%); highest among the groups gnomAD compares: African/African-American, 0.46%; no homozygotes.

Submissions (4):

Labcorp Genetics (formerly Invitae), Labcorp
Classification: Likely benign. Last evaluated: 2025-09-09. Review status: criteria provided, single submitter. Criteria: Invitae Variant Classification Sherloc (09022015). Collection method: clinical testing. Allele origin: germline.

Personalized Diabetes Medicine Program, University of Maryland School of Medicine
Classification: Likely benign for Monogenic diabetes. Last evaluated: 2016-11-04. Review status: criteria provided, single submitter. Criteria: ACMG Guidelines, 2015. Collection method: research. Allele origin: unknown. Observed: 1 variant allele, 1 heterozygote. Study: Personalized Diabetes Medicine Program.
Comment: ACMG Criteria:PP3, BP4, BS1 (0.53% in African in 1000g and Neonatal diabetes disease is <1in100,000)

PreventionGenetics, part of Exact Sciences
Classification: Likely benign for RFX6-related condition. Last evaluated: 2023-07-16. Review status: no assertion criteria provided. Collection method: clinical testing. Allele origin: germline. Not counted in ClinVar's aggregate classification.
Comment: This variant is classified as likely benign based on ACMG/AMP sequence variant interpretation guidelines (Richards et al. 2015 PMID: 25741868, with internal and published modifications).

Genetic Services Laboratory, University of Chicago
Classification: Likely benign for AllHighlyPenetrant. Review status: no assertion criteria provided. Collection method: clinical testing. Allele origin: germline. Inheritance: Autosomal recessive inheritance. Not counted in ClinVar's aggregate classification.
Comment: Likely benign based on allele frequency in 1000 Genomes Project or ESP global frequency and its presence in a patient with a rare or unrelated disease phenotype. NOT Sanger confirmed.

NM_173560.4(RFX6):c.2369G>A (p.Gly790Glu)

Gene: RFX6 (regulatory factor X6; plus strand). Cytogenetic location: 6q22.1.
Variant type: single nucleotide variant.
Coding change: c.2369G>A on transcript NM_173560.4 (MANE Select); coding-DNA position 2369, G replaced by A.
Protein change: p.Gly790Glu; replaces glycine 790 with glutamic acid.
Molecular consequence: missense variant.
Genome position (GRCh38, 1-based): chr6:116,927,510, G>A. VCF-style: chr6-116927510-G-A. GRCh37 (hg19) VCF-style: chr6-117248673-G-A.
Other names: short protein forms G790E.
Identifiers: ClinVar variation 130155 (VCV000130155.17), dbSNP rs57924353, ClinGen allele CA154966.